The following is an entry in ClinVar:

NM_000090.4(COL3A1):c.3924G>C (p.Leu1308Phe)

Gene: COL3A1 (collagen type III alpha 1 chain; plus strand). Cytogenetic location: 2q32.2.
Variant type: single nucleotide variant.
Coding change: c.3924G>C on transcript NM_000090.4 (MANE Select); coding-DNA position 3924, G replaced by C.
Protein change: p.Leu1308Phe; replaces leucine 1308 with phenylalanine.
Molecular consequence: missense variant.
Genome position (GRCh38, 1-based): chr2:189,010,278, G>C. VCF-style: chr2-189010278-G-C. GRCh37 (hg19) VCF-style: chr2-189875004-G-C.
Other names: short protein forms L1308F.
Identifiers: ClinVar variation 4856095 (VCV004856095.1).

ClinVar aggregate classification (germline): Uncertain significance (1 of 4 stars; one submission).

Conditions:
Ehlers-Danlos syndrome, type 4 (EDSVASC). Also called: Ehlers-Danlos syndrome vascular type; Ehlers Danlos syndrome, ecchymotic type; Ehlers Danlos syndrome, arterial type; Ehlers Danlos syndrome, Sack-Barabas type; Ehlers-Danlos Syndrome Type IV. Identifiers: Orphanet 286, MedGen C0268338, MONDO:0017314, OMIM 130050.

Submission:

3billion
Classification: Uncertain significance for Ehlers-Danlos syndrome, type 4. Last evaluated: 2025-12-07. Review status: criteria provided, single submitter. Criteria: ACMG Guidelines, 2015. Collection method: clinical testing. Allele origin: germline. Affected: yes.
Comment: The variant is not observed in the gnomAD v4.1.0 dataset. Predicted Consequence/Location: Missense variant Therefore, this variant is classified as VUS according to the recommendation of ACMG/AMP guideline.